The following is an entry in ClinVar:

NM_006939.4(SOS2):c.3940C>T (p.Leu1314Phe)

Gene: SOS2 (SOS Ras/Rho guanine nucleotide exchange factor 2; minus strand). Cytogenetic location: 14q21.3.
Variant type: single nucleotide variant.
Coding change: c.3940C>T on transcript NM_006939.4 (MANE Select); coding-DNA position 3940, C replaced by T.
Protein change: p.Leu1314Phe; replaces leucine 1314 with phenylalanine.
Molecular consequence: missense variant.
Genome position (GRCh38, 1-based): chr14:50,118,403, G>A on the plus strand (C>T on the coding strand, the complement: SOS2 is on the minus strand). VCF-style: chr14-50118403-G-A. GRCh37 (hg19) VCF-style: chr14-50585121-G-A.
Other names: c.3841C>T, p.Leu1281Phe (NM_001411020.1); short protein forms L1314F, L1281F.
Identifiers: ClinVar variation 4707265 (VCV004707265.1).

ClinVar aggregate classification (germline): Uncertain significance (1 of 4 stars; one submission).

Conditions:
Noonan syndrome 9 (NS9). Identifiers: Orphanet 648, MedGen C4225282, MONDO:0014691, OMIM 616559.

gnomAD v4.1: 1 of 1,614,164 alleles (0.000062%); highest among the groups gnomAD compares: Non-Finnish European, 0.000085%; no homozygotes.

Submission:

Labcorp Genetics (formerly Invitae), Labcorp
Classification: Uncertain significance for Noonan syndrome 9. Last evaluated: 2025-10-13. Review status: criteria provided, single submitter. Criteria: Invitae Variant Classification Sherloc (09022015). Collection method: clinical testing. Allele origin: germline.
Comment: This sequence change replaces leucine, which is neutral and non-polar, with phenylalanine, which is neutral and non-polar, at codon 1314 of the SOS2 protein (p.Leu1314Phe). This variant is present in population databases (no rsID available, gnomAD 0.0009%). This variant has not been reported in the literature in individuals affected with SOS2-related conditions. Invitae Evidence Modeling of protein sequence and biophysical properties (such as structural, functional, and spatial information, amino acid conservation, physicochemical variation, residue mobility, and thermodynamic stability) indicates that this missense variant is not expected to disrupt SOS2 protein function with a negative predictive value of 95%. In summary, the available evidence is currently insufficient to determine the role of this variant in disease. Therefore, it has been classified as a Variant of Uncertain Significance.